The following is an entry in ClinVar:

ClinVar aggregate classification (germline): Benign/Likely benign. Review status: criteria provided, multiple submitters, no conflicts (2 of 4 stars). 5 submissions from 5 submitters: Benign (1); Likely benign (4). Last evaluated 2026-05-01.

Submissions (5):

CeGaT Center for Human Genetics Tuebingen
Classification: Likely benign. Last evaluated: 2026-05-01. Review status: criteria provided, single submitter. Criteria: CeGaT Center For Human Genetics Tuebingen Variant Classification Criteria Version 2. Collection method: clinical testing. Allele origin: germline. Affected: yes. Observed: 1 variant allele.
Comment: GP1BA: BP4, BP7

Labcorp Genetics (formerly Invitae), Labcorp
Classification: Benign. Last evaluated: 2025-07-30. Review status: criteria provided, single submitter. Criteria: Invitae Variant Classification Sherloc (09022015). Collection method: clinical testing. Allele origin: germline.

Mayo Clinic Laboratories, Mayo Clinic
Classification: Likely benign. Last evaluated: 2024-10-21. Review status: criteria provided, single submitter. Criteria: ACMG Guidelines, 2015. Collection method: clinical testing. Allele origin: germline. Observed: 2 variant alleles.
Comment: BS1_supporting, BP4, BP7

Women's Health and Genetics/Laboratory Corporation of America, LabCorp
Classification: Likely benign. Last evaluated: 2024-08-09. Review status: criteria provided, single submitter. Criteria: LabCorp Variant Classification Summary - May 2015. Collection method: clinical testing. Allele origin: germline.

Blueprint Genetics
Classification: Likely benign. Last evaluated: 2024-07-30. Review status: criteria provided, single submitter. Criteria: ACMG Guidelines, 2015. Collection method: clinical testing. Allele origin: germline.

NM_000173.7(GP1BA):c.1470C>T (p.Ser490=)

Gene: GP1BA (glycoprotein Ib platelet subunit alpha; plus strand). Cytogenetic location: 17p13.2.
Variant type: single nucleotide variant.
Coding change: c.1470C>T on transcript NM_000173.7 (MANE Select); coding-DNA position 1470, C replaced by T.
Protein change: p.Ser490=; no amino-acid change (serine 490 retained).
Molecular consequence: synonymous variant.
Genome position (GRCh38, 1-based): chr17:4,934,074, C>T. VCF-style: chr17-4934074-C-T. GRCh37 (hg19) VCF-style: chr17-4837369-C-T.
Other names: p.Ser490=.
Identifiers: ClinVar variation 3366353 (VCV003366353.6).